The following is an entry in ClinVar:

ClinVar aggregate classification (germline): Uncertain significance (1 of 4 stars; one submission).

Conditions:
Cardiovascular phenotype. Identifiers: MedGen CN230736.

Submission:

Ambry Genetics
Classification: Uncertain significance for Cardiovascular phenotype. Last evaluated: 2025-04-20. Review status: criteria provided, single submitter. Criteria: Ambry Variant Classification Scheme 2023. Collection method: clinical testing. Allele origin: germline.
Comment: The p.M22V variant (also known as c.64A>G), located in coding exon 2 of the SPRED1 gene, results from an A to G substitution at nucleotide position 64. The methionine at codon 22 is replaced by valine, an amino acid with highly similar properties. This amino acid position is conserved. In addition, this alteration is predicted to be deleterious by in silico analysis. Based on the available evidence, the clinical significance of this variant remains unclear.

NM_152594.3(SPRED1):c.64A>G (p.Met22Val)

Gene: SPRED1 (sprouty related EVH1 domain containing 1; plus strand). Cytogenetic location: 15q14.
Variant type: single nucleotide variant.
Coding change: c.64A>G on transcript NM_152594.3 (MANE Select); coding-DNA position 64, A replaced by G.
Protein change: p.Met22Val; replaces methionine 22 with valine.
Molecular consequence: missense variant.
Genome position (GRCh38, 1-based): chr15:38,299,404, A>G. VCF-style: chr15-38299404-A-G. GRCh37 (hg19) VCF-style: chr15-38591605-A-G.
Other names: short protein forms M22V.
Identifiers: ClinVar variation 3961382 (VCV003961382.1).
Genomic context (GRCh38, chr15:38,299,404, plus strand): 5'-CTAATTCCTGATCTTTGCATCTATTTTAGTAATAGTTATGCACGAGTGCGAGCTGTGGTG[A>G]TGACCCGAGATGACTCAAGTGGTGGATGGTTACCACTTGGAGGGAGTGGACTAAGCAGCG-3'
Protein context (NP_689807.1, residues 12-32): NSYARVRAVV[Met22Val]TRDDSSGGWL